The following is an entry in ClinVar:

ClinVar aggregate classification (germline): Pathogenic/Likely pathogenic. Review status: criteria provided, multiple submitters, no conflicts (2 of 4 stars). 2 submissions from 2 submitters: Pathogenic (1); Likely pathogenic (1). Last evaluated 2025-02-14.

Conditions:
Ethylmalonic encephalopathy (EE). Also called: EPEMA syndrome; Encephalopathy, petechiae, and ethylmalonic aciduria; Syndrome of encephalopathy, petechiae, and ethylmalonic aciduria. Identifiers: Orphanet 51188, MedGen C1865349, MONDO:0011229, OMIM 602473. Disease mechanism: loss of function.

Submissions (2):

Women's Health and Genetics/Laboratory Corporation of America, LabCorp
Classification: Likely pathogenic for Ethylmalonic encephalopathy. Last evaluated: 2025-02-14. Review status: criteria provided, single submitter. Criteria: LabCorp Variant Classification Summary - May 2015. Collection method: clinical testing. Allele origin: germline.
Comment: Variant summary: ETHE1 c.702_703delTC (p.Gln235AlafsX32) causes a frameshift which results in an extension of the protein. The variant was absent in 251176 control chromosomes. c.702_703delTC has been reported as a compound heterozygous genotype in at least one individual with consistent clinical and biochemical features of Ethylmalonic encephalopathy, eg. C4/C5 acylcarnitine elevation (internal data). To our knowledge, no experimental evidence demonstrating an impact on protein function has been reported. ClinVar contains an entry for this variant (Variation ID: 1722427). Based on the evidence outlined above, the variant was classified as likely pathogenic.

Baylor Genetics
Classification: Pathogenic for Ethylmalonic encephalopathy. Last evaluated: 2024-03-27. Review status: criteria provided, single submitter. Criteria: ACMG Guidelines, 2015. Collection method: clinical testing. Allele origin: unknown.

NM_014297.5(ETHE1):c.702_703del (p.Gln235fs)

Gene: ETHE1 (ETHE1 persulfide dioxygenase; minus strand). Cytogenetic location: 19q13.31.
Variant type: Deletion.
Coding change: c.702_703del on transcript NM_014297.5 (MANE Select); coding-DNA positions 702 to 703, 2 bases deleted (TC; older notation c.702_703delTC).
Protein change: p.Gln235fs; shifts the reading frame from glutamine 235.
Molecular consequence: frameshift variant.
Genome position (GRCh38, 1-based): chr19:43,507,953-43,507,954, GA deleted on the plus strand (TC on the coding strand, the reverse complement: ETHE1 is on the minus strand); deleting any 2 consecutive bases within chr19:43,507,953-43,507,955 gives the same sequence; the c. name uses the placement nearest the transcript's 3' end. VCF-style (leftmost placement, unchanged base first): chr19-43507952-TGA-T. GRCh37 (hg19) VCF-style: chr19-44012104-TGA-T.
Other names: c.702_703delTC (NM_014297.5); c.669_670del, p.Gln224fs (NM_001320867.2); c.333_334del, p.Gln112fs (NM_001320868.2); c.408_409del, p.Gln137fs (NM_001320869.2); short protein forms Q112fs, Q137fs, Q224fs, Q235fs.
Identifiers: ClinVar variation 1722427 (VCV001722427.4), dbSNP rs2513603665, ClinGen allele CA2576804499.